The following is an entry in ClinVar:

ClinVar aggregate classification (germline): Uncertain significance (1 of 4 stars; one submission).

Conditions:
RASopathy. Also called: rasopathies; Noonan spectrum disorder. Identifiers: Orphanet 536391, MedGen C5555857, MONDO:0021060.

Submission:

Labcorp Genetics (formerly Invitae), Labcorp
Classification: Uncertain significance for RASopathy. Last evaluated: 2025-12-14. Review status: criteria provided, single submitter. Criteria: Invitae Variant Classification Sherloc (09022015). Collection method: clinical testing. Allele origin: germline.
Comment: This sequence change replaces phenylalanine, which is neutral and non-polar, with serine, which is neutral and polar, at codon 368 of the MAP2K2 protein (p.Phe368Ser). This variant is not present in population databases (gnomAD no frequency). This variant has not been reported in the literature in individuals affected with MAP2K2-related conditions. Invitae Evidence Modeling of protein sequence and biophysical properties (such as structural, functional, and spatial information, amino acid conservation, physicochemical variation, residue mobility, and thermodynamic stability) has been performed for this missense variant. However, the output from this modeling did not meet the statistical confidence thresholds required to predict the impact of this variant on MAP2K2 protein function. In summary, the available evidence is currently insufficient to determine the role of this variant in disease. Therefore, it has been classified as a Variant of Uncertain Significance.

NM_030662.4(MAP2K2):c.1103T>C (p.Phe368Ser)

Gene: MAP2K2 (mitogen-activated protein kinase kinase 2; minus strand). Cytogenetic location: 19p13.3.
Variant type: single nucleotide variant.
Coding change: c.1103T>C on transcript NM_030662.4 (MANE Select); coding-DNA position 1103, T replaced by C.
Protein change: p.Phe368Ser; replaces phenylalanine 368 with serine.
Molecular consequence: missense variant.
Genome position (GRCh38, 1-based): chr19:4,090,698, A>G on the plus strand (T>C on the coding strand, the complement: MAP2K2 is on the minus strand). VCF-style: chr19-4090698-A-G. GRCh37 (hg19) VCF-style: chr19-4090696-A-G.
Other names: c.824T>C, p.Phe275Ser (NM_001440688.1); c.533T>C, p.Phe178Ser (NM_001440689.1); short protein forms F178S, F275S, F368S.
Identifiers: ClinVar variation 4802520 (VCV004802520.1).